The following is an entry in ClinVar:

ClinVar aggregate classification (germline): Uncertain significance (1 of 4 stars; one submission).

gnomAD v4.1: 1 of 1,613,752 alleles (0.000062%); highest among the groups gnomAD compares: Non-Finnish European, 0.000085%; no homozygotes.

Submission:

Greenwood Genetic Center Diagnostic Laboratories, Greenwood Genetic Center
Classification: Uncertain significance. Last evaluated: 2021-11-15. Review status: criteria provided, single submitter. Criteria: ACMG Guidelines, 2015. Collection method: clinical testing. Allele origin: germline. Affected: yes.
Comment: PM2

NM_032776.3(JMJD1C):c.4394G>A (p.Ser1465Asn)

Gene: JMJD1C (jumonji domain containing 1C; minus strand). Cytogenetic location: 10q21.3.
Variant type: single nucleotide variant.
Coding change: c.4394G>A on transcript NM_032776.3 (MANE Select); coding-DNA position 4394, G replaced by A.
Protein change: p.Ser1465Asn; replaces serine 1465 with asparagine.
Molecular consequence: missense variant. On other transcripts: non-coding transcript variant (1).
Genome position (GRCh38, 1-based): chr10:63,207,275, C>T on the plus strand (G>A on the coding strand, the complement: JMJD1C is on the minus strand). VCF-style: chr10-63207275-C-T. GRCh37 (hg19) VCF-style: chr10-64967035-C-T.
Other names: c.3848G>A, p.Ser1283Asn (NM_001282948.2, NM_001318154.2); c.3530G>A, p.Ser1177Asn (NM_001318153.2); c.4280G>A, p.Ser1427Asn (NM_001322252.2); c.3737G>A, p.Ser1246Asn (NM_001322254.2, NM_001322258.2); short protein forms S1177N, S1246N, S1283N, S1427N, S1465N.
Identifiers: ClinVar variation 1334654 (VCV001334654.4), dbSNP rs1444032255, ClinGen allele CA377037681.
Genomic context (GRCh38, chr10:63,207,275, plus strand): 5'-TGCTTTTTTAAATGGATAAAATCAGTTGTGCCTGAGAACCCAGAACTGGGTTGAACAACA[C>T]TTCCTGTCTTACTACTGGCTAATGTAACTGGTGCTGTGGTGCTGACCTTGCATTCTTGTT-3'
Protein context (NP_116165.1, residues 1455-1475): PVTLASSKTG[Ser1465Asn]VVQPSSGFSG